The following is an entry in ClinVar:

NM_001369.3(DNAH5):c.4081_4082delinsTCTCTTATACACATCTGTGAT (p.Pro1361fs)

Genes: DNAH5 (dynein axonemal heavy chain 5; minus strand), DNAH5-AS1 (DNAH5 antisense RNA 1; plus strand). Cytogenetic location: 5p15.2.
Variant type: Indel.
Coding change: c.4081_4082delinsTCTCTTATACACATCTGTGAT on transcript NM_001369.3 (MANE Select); coding-DNA positions 4081 to 4082, CC replaced by TCTCTTATACACATCTGTGAT.
Protein change: p.Pro1361fs; shifts the reading frame from proline 1361.
Molecular consequence: frameshift variant.
Genome position (GRCh38, 1-based): chr5:13,866,254-13,866,255, GG replaced by ATCACAGATGTGTATAAGAGA on the plus strand (CC replaced by TCTCTTATACACATCTGTGAT on the coding strand, the reverse complement: DNAH5 is on the minus strand). VCF-style: chr5-13866254-GG-ATCACAGATGTGTATAAGAGA. GRCh37 (hg19) VCF-style: chr5-13866363-GG-ATCACAGATGTGTATAAGAGA.
Other names: short protein forms P1361fs.
Identifiers: ClinVar variation 5010727 (VCV005010727.1).

ClinVar aggregate classification (germline): Pathogenic (1 of 4 stars; one submission).

Conditions:
Primary ciliary dyskinesia 3. Identifiers: Orphanet 244, MedGen C1837618, MONDO:0012085, OMIM 608644.

Submission:

Myriad Genetics, Inc.
Classification: Pathogenic for Primary ciliary dyskinesia 3. Last evaluated: 2024-05-14. Review status: criteria provided, single submitter. Criteria: Myriad Autosomal Dominant, Autosomal Recessive and X-Linked Classification Criteria (2023). Collection method: clinical testing. Allele origin: unknown.
Comment: NM_001369.2(DNAH5):c.4081_4082del2ins21(P1361Sfs*12) is expected to be pathogenic in the context of primary ciliary dyskinesia, DNAH5-related. This variant is predicted to lead to an abnormal or absent protein product due to the creation of a premature termination codon in DNAH5, a gene where loss-of-function variants are known to be pathogenic. Please note: this variant was assessed in the context of healthy population screening.